The following is an entry in ClinVar:

ClinVar aggregate classification (germline): not provided. Review status: no classification provided (0 of 4 stars). 2 submissions from 1 submitter: not provided (2).

Conditions:
Normal pregnancy. Identifiers: MedGen C0232989.
Large for gestational age. Identifiers: MedGen C1848395, HP:0001520.

Submissions (2):

Institute of Molecular and Cell Biology, University of Tartu
No classification provided. Condition: Normal pregnancy. Review status: no classification provided. Collection method: case-control. Allele origin: unknown. Affected: yes. Study: Kasak2014.
Comment: The study aimed to determine the contribution of copy number variants in the genetic etiology of normal and complicated pregnancies. The samples represented (i) maternal blood DNA drawn from healthy pregnant women during 1st or 2nd trimester and (ii) maternal and paternal blood DNA drawn at term pregnancy cases representing normal and complicated gestations (severe preeclampsia, PE; gestational diabetes, GD; small-for-gestational age newborn, SGA; large-for-gestational age newborn, LGA). We performed CNV calling based on genome-wide genotyping dataset (Illumina HumanOmniExpress-24-v1 BeadChip) by applying three algorithms, QuantiSNP, GADA (Genome Alteration Detection Algorithm) and CNstream in parallel. The acquired CNV calls were merged with HD-CNV (Hotspot Detector for Copy Number Variants) program and only the CNVs predicted by at least two programs, were considered in subsequent analysis.

Institute of Molecular and Cell Biology, University of Tartu
No classification provided. Condition: Large for gestational age. Review status: no classification provided. Collection method: case-control. Allele origin: unknown. Affected: yes. Study: Kasak2014.
Comment: the same text as in the submission from Institute of Molecular and Cell Biology, University of Tartu above.

Literature cited by the submitters: PubMed 25666259.

Single allele

Gene: MSR1 (macrophage scavenger receptor 1; minus strand). Cytogenetic location: 8p22.
Variant type: Deletion.
Identifiers: ClinVar variation 157101 (VCV000157101.2).